The following is an entry in ClinVar:

NM_022464.5(SIL1):c.947dup (p.Arg317fs)

Gene: SIL1 (SIL1 nucleotide exchange factor; minus strand). Cytogenetic location: 5q31.2.
Variant type: Duplication.
Coding change: c.947dup on transcript NM_022464.5 (MANE Select); coding-DNA position 947, one base duplicated (T; older notation c.947dupT).
Protein change: p.Arg317fs; shifts the reading frame from arginine 317.
Molecular consequence: frameshift variant.
Genome position (GRCh38, 1-based): chr5:138,951,253, A duplicated on the plus strand (T on the coding strand, the reverse complement: SIL1 is on the minus strand). VCF-style (leftmost placement, unchanged base first): chr5-138951252-C-CA. GRCh37 (hg19) VCF-style: chr5-138286941-C-CA.
Other names: c.947dup, p.Arg317fs (NM_001037633.2); c.947dup (NM_022464.4); short protein forms R317fs.
Identifiers: ClinVar variation 631958 (VCV000631958.19), dbSNP rs767943814, ClinGen allele CA3432430.

ClinVar aggregate classification (germline): Pathogenic. Review status: criteria provided, multiple submitters, no conflicts (2 of 4 stars). 5 submissions from 5 submitters: Pathogenic (4). 1 of the submissions does not count toward it. Last evaluated 2025-02-18.

Conditions:
Marinesco-Sjögren syndrome (MSS). Also called: Marinesco-SjÃ¶gren syndrome; Marinesco-Sjogren Syndrome. Identifiers: Orphanet 559, MedGen C0024814, MONDO:0009567, OMIM 248800.

Allele frequency attached by ClinVar (database versions not stated): gnomAD exomes 0.00002; TOPMed 0.00002; gnomAD 0.00003; ExAC 0.00010.

Submissions (5):

Revvity Omics, Revvity
Classification: Pathogenic for Marinesco-Sjögren syndrome. Last evaluated: 2025-02-18. Review status: criteria provided, single submitter. Criteria: ACMG Guidelines, 2015. Collection method: clinical testing. Allele origin: germline.

Labcorp Genetics (formerly Invitae), Labcorp
Classification: Pathogenic for Marinesco-Sjögren syndrome. Last evaluated: 2024-07-02. Review status: criteria provided, single submitter. Criteria: Invitae Variant Classification Sherloc (09022015). Collection method: clinical testing. Allele origin: germline.
Comment: This sequence change creates a premature translational stop signal (p.Arg317Glufs*35) in the SIL1 gene. While this is not anticipated to result in nonsense mediated decay, it is expected to disrupt the last 145 amino acid(s) of the SIL1 protein. This variant is present in population databases (rs767943814, gnomAD 0.007%). This premature translational stop signal has been observed in individuals with Marinesco-Sjogren syndrome (PMID: 16282977, 24176978). This variant is also known as 947_948insT, L316fs. ClinVar contains an entry for this variant (Variation ID: 631958). Experimental studies and prediction algorithms are not available or were not evaluated, and the functional significance of this variant is currently unknown. For these reasons, this variant has been classified as Pathogenic.

Illumina Laboratory Services, Illumina
Classification: Pathogenic for Marinesco-Sjögren syndrome. Last evaluated: 2018-12-12. Review status: criteria provided, single submitter. Criteria: ICSL Variant Classification Criteria 09 May 2019. Collection method: clinical testing. Allele origin: germline.
Comment: The SIL1 c.947dupT (p.Arg317GlufsTer35) variant results in a frameshift and is predicted to result in premature termination of the protein. The p.Arg317GlufsTer35 has been reported in a total of six individuals with Marinesco-Sjogren syndrome (Senderek et al. 2005; Krieger et al. 2013; Pajusalu et al. 2015). Of these, the variant was found in a homozygous state in two affected cases and in a compound heterozygous state in four affected cases, two of whom were siblings. The p.Arg317GlufsTer35 variant was absent from 160 control subjects and is reported at a frequency of 0.000065 in the European (Non Finnish) population of the Genome Aggregation Database. Based on the evidence and due to the potential impact of frameshift variants, the p.Arg317GlufsTer35 is classified as pathogenic for Marinesco-Sjogren syndrome. This variant was observed by ICSL as part of a predisposition screen in an ostensibly healthy population.

Baylor Genetics
Classification: Pathogenic for Marinesco-Sjögren syndrome. Last evaluated: 2018-02-02. Review status: criteria provided, single submitter. Criteria: ACMG Guidelines, 2015. Collection method: clinical testing. Allele origin: paternal. Affected: yes.
Comment: This variant was determined to be pathogenic according to ACMG Guidelines, 2015 [PMID:25741868]. This variant has been previously reported in patients with Marinesco-Sjoegren syndrome [PMID 16282977]

Solve-RD Consortium
Classification: Likely pathogenic for Marinesco-Sjögren syndrome. Last evaluated: 2022-06-01. Review status: no assertion criteria provided. Collection method: provider interpretation. Allele origin: inherited. Affected: yes. Not counted in ClinVar's aggregate classification.
Comment: Variant confirmed as disease-causing by referring clinical team

Variant identified during reanalysis of unsolved cases by the Solve-RD project. The Solve-RD project has received funding from the European Union’s Horizon 2020 research and innovation programme under grant agreement No 779257.

Literature cited by the submitters: PubMed 16282977 (cited by 3 submitters); PubMed 24176978 (cited by Labcorp Genetics (formerly Invitae), Labcorp and Illumina Laboratory Services, Illumina); PubMed 26733775 (cited by Illumina Laboratory Services, Illumina); PubMed 39825153 (cited by Solve-RD Consortium).